The following is an entry in ClinVar:

ClinVar aggregate classification (germline): Uncertain significance (1 of 4 stars; one submission).

Conditions:
Familial hemophagocytic lymphohistiocytosis 5. Also called: STXBP2-Related Familial Hemophagocytic Lymphohistiocytosis (STXBP2-fHLH). Identifiers: Orphanet 540, MedGen C2751293, MONDO:0013135, OMIM 613101.

Allele frequency attached by ClinVar (database versions not stated): gnomAD 0.00002; gnomAD exomes 0.00002; TOPMed 0.00002; ExAC 0.00003.
gnomAD v4.1: 26 of 1,613,862 alleles (0.0016%); highest among the groups gnomAD compares: Middle Eastern, 0.016%; no homozygotes.

Submission:

Labcorp Genetics (formerly Invitae), Labcorp
Classification: Uncertain significance for Familial hemophagocytic lymphohistiocytosis 5. Last evaluated: 2022-01-15. Review status: criteria provided, single submitter. Criteria: Invitae Variant Classification Sherloc (09022015). Collection method: clinical testing. Allele origin: germline.
Comment: This sequence change falls in intron 6 of the STXBP2 gene. It does not directly change the encoded amino acid sequence of the STXBP2 protein. It affects a nucleotide within the consensus splice site. This variant is present in population databases (rs756813344, gnomAD 0.006%). This variant has not been reported in the literature in individuals affected with STXBP2-related conditions. Variants that disrupt the consensus splice site are a relatively common cause of aberrant splicing (PMID: 17576681, 9536098). Algorithms developed to predict the effect of sequence changes on RNA splicing suggest that this variant is not likely to affect RNA splicing. In summary, the available evidence is currently insufficient to determine the role of this variant in disease. Therefore, it has been classified as a Variant of Uncertain Significance.

Literature cited by the submitters: PubMed 17576681; PubMed 9536098.

NM_006949.4(STXBP2):c.429+4C>T

Gene: STXBP2 (syntaxin binding protein 2; plus strand). Cytogenetic location: 19p13.2.
Variant type: single nucleotide variant.
Coding change: c.429+4C>T on transcript NM_006949.4 (MANE Select); 4 bases into the intron after coding-DNA position 429, C replaced by T.
Molecular consequence: intron variant.
Genome position (GRCh38, 1-based): chr19:7,641,007, C>T. VCF-style: chr19-7641007-C-T. GRCh37 (hg19) VCF-style: chr19-7705893-C-T.
Other names: c.462+4C>T (NM_001272034.2); c.420+4C>T (NM_001127396.3).
Identifiers: ClinVar variation 1501467 (VCV001501467.3), dbSNP rs756813344, ClinGen allele CA9143623.
Genomic context (GRCh38, chr19:7,641,007, plus strand): 5'-AAGGTGGTGAAGACGTTGAAGGAGATTCACCTTGCCTTCCTCCCCTACGAGGCCCAGGTA[C>T]GGCCCGGGCTCATCCTGGGCAGGGGGTGGGGGTTTGTGACCAAATGTCCCCTGTTCCCTC-3'